The following is an entry in ClinVar:

NM_001034853.2(RPGR):c.2491G>T (p.Glu831Ter)

Gene: RPGR (retinitis pigmentosa GTPase regulator; minus strand). Cytogenetic location: Xp11.4.
Variant type: single nucleotide variant.
Coding change: c.2491G>T on transcript NM_001034853.2 (MANE Select); coding-DNA position 2491, G replaced by T.
Protein change: p.Glu831Ter; replaces glutamic acid 831 with a stop codon.
Molecular consequence: nonsense. On other transcripts: intron variant (8).
Genome position (GRCh38, 1-based): chrX:38,286,508, C>A on the plus strand (G>T on the coding strand, the complement: RPGR is on the minus strand). VCF-style: chrX-38286508-C-A. GRCh37 (hg19) VCF-style: chrX-38145761-C-A.
Other names: NC_000023.10:g.38145761C>A; NP_001030025.1:p.(Glu831Ter); NM_001034853.2(RPGR):c.2491G>T; p.Glu831Ter; c.1569+4451G>T (NM_001367249.1, NM_001367250.1); c.1902+586G>T (NM_001367245.1); c.1386+4451G>T (NM_001367251.1); c.1719+586G>T (NM_001367246.1); and 3 more; short protein forms E831*.
Identifiers: ClinVar variation 1297121 (VCV001297121.7), dbSNP rs865977487, ClinGen allele CA412730514.

ClinVar aggregate classification (germline): Pathogenic. Review status: reviewed by expert panel (3 of 4 stars). 4 submissions from 4 submitters: Pathogenic (1). 3 of the submissions do not count toward it. Last evaluated 2025-09-07.

Conditions:
RPGR-related retinopathy. Also called: RPGR retinopathy. Identifiers: MedGen CN305589, MONDO:0100437.
Retinitis pigmentosa (RP). Identifiers: Orphanet 791, MedGen C0035334, MeSH D012174, MONDO:0019200, OMIM 268000. Inheritance: Autosomal dominant, autosomal recessive and X linked inheritance.

Submissions (4):

ClinGen X-linked Inherited Retinal Disease Variant Curation Expert Panel, ClinGen
Classification: Pathogenic for RPGR-related retinopathy. Last evaluated: 2025-09-07. Review status: reviewed by expert panel. Criteria: ClinGen X LinkedIRD ACMG Specifications RPGR V1.0.0. Collection method: curation. Allele origin: germline. Inheritance: X-linked inheritance.
Comment: NM_001034853.2(RPGR):c.2491G>T (p.Glu831Ter) is a nonsense variant introducing a premature stop in codon 831 within exon 15 of 15 that is predicted to disrupt a critical C-terminal region required for proper glutamylation of RPGR (PVS1, PMID: 36445968). This variant is absent from gnomAD v4.1.0 (PM2_Supporting). At least one proband harboring this variant exhibits a phenotype including presentation with night blindness (0.5 pts) with onset at age 5 years (1 pt), reduced visual acuity (0.5 pts), diminished electroretinogram responses from rods, fundus appearance showing widespread retinal pigment epithelium degeneration with pigment deposits (0.5 pts), optic disc pallor (0.5 pts), severe macular degeneration, artery attenuation, and genotyping by next-generation sequencing with a 483-gene panel showing no alternative basis for inherited retinal disease (2 pts), which together are specific for RPGR-related retinopathy (5 points, PMID: 36276946, PP4). In summary, this variant is classified as pathogenic for RPGR-related retinopathy based on the ClinGen X-linked Inherited Retinal Disease Expert Panel Specifications to the ACMG/AMP Variant Interpretation Guidelines for RPGR Version 1.0.0; PVS1, PM2_Supporting, and PP4.

Ophthalmic Genetics Group, Institute of Molecular and Clinical Ophthalmology Basel
Classification: Likely pathogenic for Retinitis pigmentosa. Last evaluated: 2023-07-24. Review status: criteria provided, single submitter. Criteria: ACMG Guidelines, 2015. Collection method: research. Allele origin: germline. Affected: yes. Observed: 1 variant allele. Not counted in ClinVar's aggregate classification.
Comment: Clinical significance based on ACMG v2.0

This variant was classified as Likely pathogenic based on ACMG criteria: PVS1, PP5, PM2.

PreventionGenetics, part of Exact Sciences
Classification: Pathogenic. Last evaluated: 2021-05-20. Review status: criteria provided, single submitter. Criteria: ACMG Guidelines, 2015. Collection method: clinical testing. Allele origin: germline. Not counted in ClinVar's aggregate classification.

Broad Center for Mendelian Genomics, Broad Institute of MIT and Harvard
Classification: Likely pathogenic for Retinitis pigmentosa. Last evaluated: 2021-04-01. Review status: criteria provided, single submitter. Criteria: ACMG Guidelines, 2015. Collection method: curation. Allele origin: germline. Inheritance: X-linked inheritance. Affected: yes. Not counted in ClinVar's aggregate classification.
Comment: Through a review of available evidence we were able to apply the following criteria: PVS1, PM2. Based on this evidence we have classified this variant as Likely Pathogenic. If you have any questions about the classification please reach out to the Pierce Lab.

Literature cited by the submitters: PubMed 36909829 (cited by Ophthalmic Genetics Group, Institute of Molecular and Clinical Ophthalmology Basel); PubMed 34906470 (cited by Broad Center for Mendelian Genomics, Broad Institute of MIT and Harvard).